The following is an entry in ClinVar:

ClinVar aggregate classification (germline): Likely benign. Review status: criteria provided, single submitter (1 of 4 stars). 2 submissions from 2 submitters: Likely benign (1). 1 of the submissions does not count toward it. Last evaluated 2025-01-01.

Conditions:
SLC22A11-related disorder. Also called: SLC22A11-related condition.

Allele frequency attached by ClinVar (database versions not stated): 1000 Genomes Project 0.00040; 1000 Genomes Project 30x 0.00047; ExAC 0.00260; gnomAD 0.00270; ESP Exome Variant Server 0.00285; TOPMed 0.00301; gnomAD exomes 0.00417.
gnomAD v4.1: 6,618 of 1,614,162 alleles (0.41%); highest among the groups gnomAD compares: Non-Finnish European, 0.47%; 22 homozygotes.

Submissions (2):

CeGaT Center for Human Genetics Tuebingen
Classification: Likely benign. Last evaluated: 2025-01-01. Review status: criteria provided, single submitter. Criteria: CeGaT Center For Human Genetics Tuebingen Variant Classification Criteria Version 2. Collection method: clinical testing. Allele origin: germline. Affected: yes. Observed: 1 variant allele.
Comment: SLC22A11: BS2

PreventionGenetics, part of Exact Sciences
Classification: Likely benign for SLC22A11-related condition. Last evaluated: 2022-06-08. Review status: no assertion criteria provided. Collection method: clinical testing. Allele origin: germline. Not counted in ClinVar's aggregate classification.
Comment: This variant is classified as likely benign based on ACMG/AMP sequence variant interpretation guidelines (Richards et al. 2015 PMID: 25741868, with internal and published modifications).

NM_018484.4(SLC22A11):c.142C>T (p.Arg48Ter)

Gene: SLC22A11 (solute carrier family 22 member 11; plus strand). Cytogenetic location: 11q13.1.
Variant type: single nucleotide variant.
Coding change: c.142C>T on transcript NM_018484.4 (MANE Select); coding-DNA position 142, C replaced by T.
Protein change: p.Arg48Ter; replaces arginine 48 with a stop codon.
Molecular consequence: nonsense.
Genome position (GRCh38, 1-based): chr11:64,556,141, C>T. VCF-style: chr11-64556141-C-T. GRCh37 (hg19) VCF-style: chr11-64323613-C-T.
Other names: c.142C>T, p.Arg48Ter (NM_001307985.2); short protein forms R48*.
Identifiers: ClinVar variation 3038511 (VCV003038511.15), dbSNP rs35008345, ClinGen allele CA6076403.